The following is an entry in ClinVar:

NR_033294.2(SNORD118):n.30C>T

Genes: SNORD118 (small nucleolar RNA, C/D box 118; minus strand), TMEM107 (transmembrane protein 107; minus strand). Cytogenetic location: 17p13.1.
Variant type: single nucleotide variant.
Molecular consequence: non-coding transcript variant (on NR_033294.2). On other transcripts: 3 prime UTR variant (5).
Genome position: GRCh38 VCF-style: chr17-8173559-G-A. GRCh37 (hg19) VCF-style: chr17-8076877-G-A.
Other names: c.*644C>T (NM_032354.3, NM_001351278.2, NM_001351279.2 and 3 more transcripts).
Identifiers: ClinVar variation 1667001 (VCV001667001.34), dbSNP rs9893295, ClinGen allele CA8370785.
Genomic context (GRCh38, chr17:8,173,559, plus strand): 5'-GACGTTAATCACGTTTCATGCATCTCCAATCATCATGTTCTAATCTGCCCTCCGGAGGAG[G>A]AACAGGTAAGGATTATCCCACCTGACGATACAGACAAACAGCCGACATTCTGCACTCAGT-3'

ClinVar aggregate classification (germline): Benign. Review status: criteria provided, multiple submitters, no conflicts (2 of 4 stars). 3 submissions from 3 submitters: Benign (3). Last evaluated 2026-09-01.

Conditions:
TMEM107-related disorder. Also called: TMEM107-related condition.

Allele frequency attached by ClinVar (database versions not stated): TOPMed 0.00249; ESP Exome Variant Server 0.00331; 1000 Genomes Project 0.00559; 1000 Genomes Project 30x 0.00687.
gnomAD v4.1: 2,783 of 765,312 alleles (0.36%); highest among the groups gnomAD compares: South Asian, 1.2%; 16 homozygotes.

Submissions (3):

CeGaT Center for Human Genetics Tuebingen
Classification: Benign. Last evaluated: 2026-09-01. Review status: criteria provided, single submitter. Criteria: CeGaT Center For Human Genetics Tuebingen Variant Classification Criteria Version 2. Collection method: clinical testing. Allele origin: germline. Affected: yes. Observed: 21 variant alleles.
Comment: SNORD118: BS1, BS2; TMEM107: BS1, BS2

Labcorp Genetics (formerly Invitae), Labcorp
Classification: Benign. Last evaluated: 2026-01-09. Review status: criteria provided, single submitter. Criteria: Invitae Variant Classification Sherloc (09022015). Collection method: clinical testing. Allele origin: germline.

PreventionGenetics, part of Exact Sciences
Classification: Benign for TMEM107-related condition. Last evaluated: 2024-12-02. Review status: criteria provided, single submitter. Criteria: ACMG Guidelines, 2015. Collection method: clinical testing. Allele origin: germline.
Comment: This variant is classified as benign based on ACMG/AMP sequence variant interpretation guidelines (Richards et al. 2015 PMID: 25741868, with internal and published modifications).